The following is an entry in ClinVar:

NM_001372106.1(DNAH10):c.4283G>A (p.Arg1428Gln)

Gene: DNAH10 (dynein axonemal heavy chain 10; plus strand). Cytogenetic location: 12q24.31.
Variant type: single nucleotide variant.
Coding change: c.4283G>A on transcript NM_001372106.1 (MANE Select); coding-DNA position 4283, G replaced by A.
Protein change: p.Arg1428Gln; replaces arginine 1428 with glutamine.
Molecular consequence: missense variant.
Genome position (GRCh38, 1-based): chr12:123,826,790, G>A. VCF-style: chr12-123826790-G-A. GRCh37 (hg19) VCF-style: chr12-124311337-G-A.
Other names: c.3929G>A, p.Arg1310Gln (NM_001083900.1, NM_207437.3); short protein forms R1310Q, R1428Q.
Identifiers: ClinVar variation 2643524 (VCV002643524.24), dbSNP rs772799935, ClinGen allele CA6863539.

ClinVar aggregate classification (germline): Likely benign (1 of 4 stars; one submission).

gnomAD v4.1: 34 of 1,613,792 alleles (0.0021%); highest among the groups gnomAD compares: Admixed American, 0.017%; 1 homozygote.

Submission:

CeGaT Center for Human Genetics Tuebingen
Classification: Likely benign. Last evaluated: 2022-11-01. Review status: criteria provided, single submitter. Criteria: CeGaT Center For Human Genetics Tuebingen Variant Classification Criteria Version 2. Collection method: clinical testing. Allele origin: germline. Affected: yes. Observed: 1 variant allele.
Comment: DNAH10: BP4, BS2